The following is an entry in ClinVar:

NM_016642.4(SPTBN5):c.3157C>T (p.His1053Tyr)

Gene: SPTBN5 (spectrin beta, non-erythrocytic 5; minus strand). Cytogenetic location: 15q15.1.
Variant type: single nucleotide variant.
Coding change: c.3157C>T on transcript NM_016642.4 (MANE Select); coding-DNA position 3157, C replaced by T.
Protein change: p.His1053Tyr; replaces histidine 1053 with tyrosine.
Molecular consequence: missense variant.
Genome position (GRCh38, 1-based): chr15:41,879,285, G>A on the plus strand (C>T on the coding strand, the complement: SPTBN5 is on the minus strand). VCF-style: chr15-41879285-G-A. GRCh37 (hg19) VCF-style: chr15-42171483-G-A.
Other names: short protein forms H1053Y.
Identifiers: ClinVar variation 3060735 (VCV003060735.2), dbSNP rs1197682, ClinGen allele CA7503724.

ClinVar aggregate classification (germline): Benign (0 of 4 stars; one submission).

Conditions:
SPTBN5-related disorder. Also called: SPTBN5-related condition.

Allele frequency attached by ClinVar (database versions not stated): gnomAD exomes 0.05838; ExAC 0.07835; ESP Exome Variant Server 0.09073; gnomAD 0.09694; TOPMed 0.11040; 1000 Genomes Project 0.12899; 1000 Genomes Project 30x 0.13101.
gnomAD v4.1: 100,248 of 1,611,766 alleles (6.2%); highest among the groups gnomAD compares: African/African-American, 20%; 4,526 homozygotes.

Submission:

PreventionGenetics, part of Exact Sciences
Classification: Benign for SPTBN5-related condition. Last evaluated: 2019-10-30. Review status: no assertion criteria provided. Collection method: clinical testing. Allele origin: germline.
Comment: This variant is classified as benign based on ACMG/AMP sequence variant interpretation guidelines (Richards et al. 2015 PMID: 25741868, with internal and published modifications).